The following is an entry in ClinVar:

NM_001931.5(DLAT):c.458G>A (p.Gly153Asp)

Gene: DLAT (dihydrolipoamide S-acetyltransferase; plus strand). Cytogenetic location: 11q23.1.
Variant type: single nucleotide variant.
Coding change: c.458G>A on transcript NM_001931.5 (MANE Select); coding-DNA position 458, G replaced by A.
Protein change: p.Gly153Asp; replaces glycine 153 with aspartic acid.
Molecular consequence: missense variant. On other transcripts: 5 prime UTR variant (1), non-coding transcript variant (1), intron variant (2).
Genome position (GRCh38, 1-based): chr11:112,028,591, G>A. VCF-style: chr11-112028591-G-A. GRCh37 (hg19) VCF-style: chr11-111899315-G-A.
Other names: c.458G>A, p.Gly153Asp (NM_001372031.1, NM_001372032.1, NM_001372033.1 and 3 more transcripts); c.425G>A, p.Gly142Asp (NM_001372034.1); c.332G>A, p.Gly111Asp (NM_001372036.1); c.290G>A, p.Gly97Asp (NM_001372037.1); c.-9G>A (NM_001372042.1); c.381+2292G>A (NM_001372038.1); c.364+2309G>A (NM_001372040.1); short protein forms G111D, G142D, G153D, G97D.
Identifiers: ClinVar variation 1311520 (VCV001311520.2), dbSNP rs2137698269, ClinGen allele CA382600492.

ClinVar aggregate classification (germline): Uncertain significance (1 of 4 stars; one submission).

Submission:

GeneDx
Classification: Uncertain significance. Last evaluated: 2019-09-06. Review status: criteria provided, single submitter. Criteria: GeneDx Variant Classification Process June 2021. Collection method: clinical testing. Allele origin: germline. Affected: yes.
Comment: Not observed in large population cohorts (Lek et al., 2016); In silico analysis, which includes protein predictors and evolutionary conservation, supports a deleterious effect; Has not been previously published as pathogenic or benign to our knowledge